The following is an entry in ClinVar:

NM_007194.4(CHEK2):c.1183G>C (p.Val395Leu)

Gene: CHEK2 (checkpoint kinase 2; minus strand). Cytogenetic location: 22q12.1.
Variant type: single nucleotide variant.
Coding change: c.1183G>C on transcript NM_007194.4 (MANE Select); coding-DNA position 1183, G replaced by C.
Protein change: p.Val395Leu; replaces valine 395 with leucine.
Molecular consequence: missense variant.
Genome position (GRCh38, 1-based): chr22:28,695,786, C>G on the plus strand (G>C on the coding strand, the complement: CHEK2 is on the minus strand). VCF-style: chr22-28695786-C-G. GRCh37 (hg19) VCF-style: chr22-29091774-C-G.
Other names: p.V395L:GTT>CTT; c.1312G>C, p.Val438Leu (NM_001005735.3); c.520G>C, p.Val174Leu (NM_001257387.3); c.982G>C, p.Val328Leu (NM_001349956.3); c.1096G>C, p.Val366Leu (NM_145862.3); short protein forms V395L, V438L, V174L, V366L, V328L.
Identifiers: ClinVar variation 128049 (VCV000128049.47), dbSNP rs587780170, ClinGen allele CA288264.
Genomic context (GRCh38, chr22:28,695,786, plus strand): 5'-CTCCTAAACTCCAGCAGTCCACAGCACGGTTATACCCAGCAGTCCCAACAGAAACAAGAA[C>G]TTCAGGCGCCAAGTAGGTGGGGGTTCCACATAAGGTTCTCATGAGAGAGGTCTCTCCCAA-3'
Protein context (NP_009125.1, residues 385-405): CGTPTYLAPE[Val395Leu]LVSVGTAGYN

ClinVar aggregate classification (germline): Uncertain significance. Review status: criteria provided, multiple submitters, no conflicts (2 of 4 stars). 17 submissions from 16 submitters: Uncertain significance (14). 3 of the submissions do not count toward it. Last evaluated 2026-01-28.

Conditions:
CHEK2-related disorder.
Hereditary cancer-predisposing syndrome. Also called: Hereditary neoplastic syndrome; Tumor predisposition; Neoplastic Syndromes, Hereditary; Hereditary Cancer Syndrome. Identifiers: Orphanet 140162, MedGen C0027672, MeSH D009386, MONDO:0015356.
Breast and/or ovarian cancer. Identifiers: MedGen CN221562.
Hereditary breast ovarian cancer syndrome. Also called: Hereditary breast and ovarian cancer syndrome; Breast and ovarian cancer; Hereditary breast and ovarian cancer syndrome (HBOC); BRCA1- and BRCA2-Associated Hereditary Breast and Ovarian Cancer; Hereditary breast and ovarian cancer; Hereditary breast and/or ovarian cancer syndrome. Identifiers: Orphanet 145, MedGen C0677776, MeSH D061325, MONDO:0003582. Disease mechanism: loss of function.
Familial cancer of breast. Also called: hereditary breast carcinoma; Hereditary breast cancer; BREAST CANCER, FAMILIAL. Identifiers: Orphanet 227535, MedGen C0346153, MONDO:0016419, OMIM 114480. Disease mechanism: loss of function.

Allele frequency attached by ClinVar (database versions not stated): gnomAD exomes 0.00002; TOPMed 0.00002.
gnomAD v4.1: 34 of 1,613,826 alleles (0.0021%); highest among the groups gnomAD compares: Non-Finnish European, 0.0028%; no homozygotes.

Submissions 1 to 10 of 17:

Labcorp Genetics (formerly Invitae), Labcorp
Classification: Uncertain significance for Familial cancer of breast. Last evaluated: 2026-01-28. Review status: criteria provided, single submitter. Criteria: Invitae Variant Classification Sherloc (09022015). Collection method: clinical testing. Allele origin: germline.
Comment: This sequence change replaces valine, which is neutral and non-polar, with leucine, which is neutral and non-polar, at codon 395 of the CHEK2 protein (p.Val395Leu). This variant is present in population databases (rs587780170, gnomAD 0.007%). This missense change has been observed in individual(s) with colorectal cancer and/or ovarian cancer (PMID: 28135145, 31050813). ClinVar contains an entry for this variant (Variation ID: 128049). An algorithm developed to predict the effect of missense changes on protein structure and function (PolyPhen-2) suggests that this variant is likely to be tolerated. Experimental studies have shown that this missense change affects CHEK2 function (PMID: 37449874). In summary, the available evidence is currently insufficient to determine the role of this variant in disease. Therefore, it has been classified as a Variant of Uncertain Significance.

Department of Clinical Genetics, Copenhagen University Hospital, Rigshospitalet
Classification: Uncertain significance for Familial cancer of breast. Last evaluated: 2025-12-10. Review status: criteria provided, single submitter. Criteria: ACMG Guidelines, 2015. Collection method: clinical testing. Allele origin: germline.
Comment: No ACMG criteria has been used. Functional analyses og this variant have produced conflicting results (PMID:31409080;PMID:37449874;PMID:30851065)

Department of Clinical Genetics, Copenhagen University Hospital, Rigshospitalet
Classification: Uncertain significance for Hereditary cancer-predisposing syndrome. Last evaluated: 2025-11-18. Review status: criteria provided, single submitter. Criteria: ACMG Guidelines, 2015. Collection method: clinical testing. Allele origin: germline. Affected: yes.

Women's Health and Genetics/Laboratory Corporation of America, LabCorp
Classification: Uncertain significance. Last evaluated: 2025-09-03. Review status: criteria provided, single submitter. Criteria: LabCorp Variant Classification Summary - May 2015. Collection method: clinical testing. Allele origin: germline.
Comment: Variant summary: CHEK2 c.1183G>C (p.Val395Leu) results in a conservative amino acid change located in the Protein kinase domain (IPR000719) of the encoded protein sequence. Algorithms developed to predict the effect of missense changes on protein structure and function are either unavailable or do not agree on the potential impact of this missense change. The variant allele was found at a frequency of 2.8e-05 in 251068 control chromosomes. The available data on variant occurrences in the general population are insufficient to allow any conclusion about variant significance. c.1183G>C has been reported as a VUS in settings of multigene panel testing in individuals affected with breast and/or colorectal cancer (Yurgelun_2017, Kleibova_2019). These reports do not provide unequivocal conclusions about association of the variant with Hereditary Breast And Ovarian Cancer Syndrome. At least one publication reports experimental evidence evaluating an impact on protein function (Delimitsou_2019). These results showed no damaging effect of this variant in ability of CHEK2 to repair MMS induced DNA damage in a yeast based cell system. The following publications have been ascertained in the context of this evaluation (PMID: 28135145, 30851065, 31050813). ClinVar contains an entry for this variant (Variation ID: 128049). Based on the evidence outlined above, the variant was classified as uncertain significance.

Ambry Genetics
Classification: Uncertain significance for Hereditary cancer-predisposing syndrome. Last evaluated: 2025-06-30. Review status: criteria provided, single submitter. Criteria: Ambry Variant Classification Scheme 2023. Collection method: clinical testing. Allele origin: germline.
Comment: The p.V395L variant (also known as c.1183G>C), located in coding exon 10 of the CHEK2 gene, results from a G to C substitution at nucleotide position 1183. The valine at codon 395 is replaced by leucine, an amino acid with highly similar properties. This alteration has been identified in both individuals with breast cancer and healthy controls (Decker B et al. J Med Genet, 2017 11;54:732-741). Functional analyses of this allele have produced conflicting results (Delimitsou A et al. Hum Mutat, 2019 05;40:631-648; Kleiblova P et al. Int J Cancer, 2019 10;145:1782-1797; Stolarova L et al. Clin Cancer Res, 2023 Aug;29:3037-3050). This amino acid position is highly conserved in available vertebrate species. In addition, this alteration is predicted to be deleterious by in silico analysis. Based on the available evidence, the clinical significance of this variant remains unclear.

Center for Genomic Medicine, Rigshospitalet, Copenhagen University Hospital
Classification: Uncertain significance. Last evaluated: 2025-03-04. Review status: criteria provided, single submitter. Criteria: ACMG Guidelines, 2015. Collection method: clinical testing. Allele origin: germline.

Quest Diagnostics Nichols Institute San Juan Capistrano
Classification: Uncertain significance. Last evaluated: 2024-12-21. Review status: criteria provided, single submitter. Criteria: Quest Diagnostics criteria. Collection method: clinical testing. Allele origin: unknown.
Comment: The CHEK2 c.1183G>C (p.Val395Leu) variant has been reported in the published literature in individuals with ovarian cancer (PMID: 31050813 (2019), colorectal cancer (PMID: 28135145 (2017)), and breast cancer (PMID: 28779002 (2017), 33471991 (2021), see also LOVD). This variant has also been identified in reportedly healthy individuals (PMID: 28779002 (2017), 33471991 (2021), see also LOVD). Assessment of experimental evidence regarding the effect of this variant on protein function is inconclusive (PMID: 30851065 (2019)). The frequency of this variant in the general population (Genome Aggregation Database) is uninformative in the assessment of its pathogenicity. Analysis of this variant using bioinformatics tools for the prediction of the effect of amino acid changes on protein structure and function yielded conflicting predictions that this variant is benign or damaging. Based on the available information, we are unable to determine the clinical significance of this variant.

German Consortium for Hereditary Breast and Ovarian Cancer, University Hospital Cologne
Classification: Uncertain significance for Hereditary breast ovarian cancer syndrome. Last evaluated: 2024-09-09. Review status: criteria provided, single submitter. Criteria: ACMG Guidelines, 2015. Collection method: curation. Allele origin: germline.
Comment: According to the ACMG SVI adaptation criteria we chose this criterion: PS3 (strong pathogenic): Stolarova 2023: damaging bei CHK2 und KAP-Assay; Kleiblova 2019: damaging bei KAP1- und Omnia Kinase Assay; Delimitsou 2019: benign

Color Diagnostics, LLC DBA Color Health
Classification: Uncertain significance for Hereditary cancer-predisposing syndrome. Last evaluated: 2024-09-03. Review status: criteria provided, single submitter. Criteria: ACMG Guidelines, 2015. Collection method: clinical testing. Allele origin: germline.
Comment: This missense variant replaces valine with leucine at codon 395 of the CHEK2 protein. Computational prediction suggests that this variant may not impact protein structure and function. Functional studies have shown this variant to have deleterious effect on CHEK2 function in in vitro and cell-based kinase assays but have neutral effect in yeast-based DNA damage repair assays (PMID 30851065, 31050813, 37449874). In a large breast cancer case-control study, this variant has been observed in 11/60455 cases and 7/53454 controls (OR=1.389, 95%CI [0.539 to 3.585], p-value=0.638) (PMID: 33471991). This variant has been reported in an individual affected with colorectal cancer (PMID: 28135145). This variant has been identified in 7/251068 chromosomes in the general population by the Genome Aggregation Database (gnomAD). The available evidence is insufficient to determine the role of this variant in disease conclusively. Therefore, this variant is classified as a Variant of Uncertain Significance.

Baylor Genetics
Classification: Uncertain significance for Familial cancer of breast. Last evaluated: 2024-02-07. Review status: criteria provided, single submitter. Criteria: ACMG Guidelines, 2015. Collection method: clinical testing. Allele origin: unknown.